The following is an entry in ClinVar:

NM_000535.7(PMS2):c.87G>T (p.Gly29=)

Gene: PMS2 (PMS1 homolog 2, mismatch repair system component; minus strand). Cytogenetic location: 7p22.1.
Variant type: single nucleotide variant.
Coding change: c.87G>T on transcript NM_000535.7 (MANE Select); coding-DNA position 87, G replaced by T.
Protein change: p.Gly29=; no amino-acid change (glycine 29 retained).
Molecular consequence: synonymous variant. On other transcripts: 5 prime UTR variant (8), non-coding transcript variant (1), intron variant (3).
Genome position (GRCh38, 1-based): chr7:6,005,968, C>A on the plus strand (G>T on the coding strand, the complement: PMS2 is on the minus strand). VCF-style: chr7-6005968-C-A. GRCh37 (hg19) VCF-style: chr7-6045599-C-A.
Other names: c.-319G>T (NM_001322003.2, NM_001322005.2, NM_001322009.2 and 1 more transcripts); c.87G>T, p.Gly29= (NM_001322006.2, NM_001322014.2); c.-129G>T (NM_001322007.2); c.-798G>T (NM_001322011.2, NM_001322012.2); c.-398G>T (NM_001322015.2); c.-52-1910G>T (NM_001322008.2); c.-242-1910G>T (NM_001322010.2, NM_001322004.2).
Identifiers: ClinVar variation 1037711 (VCV001037711.12), dbSNP rs876659642, ClinGen allele CA453650303.

ClinVar aggregate classification (germline): Benign/Likely benign. Review status: criteria provided, multiple submitters, no conflicts (2 of 4 stars). 3 submissions from 3 submitters: Benign (1); Likely benign (2). Last evaluated 2025-07-30.

Conditions:
Hereditary nonpolyposis colorectal neoplasms. Identifiers: MedGen C0009405, MeSH D003123.
Hereditary cancer-predisposing syndrome. Also called: Neoplastic Syndromes, Hereditary; Hereditary Cancer Syndrome; Tumor predisposition; Hereditary neoplastic syndrome. Identifiers: Orphanet 140162, MedGen C0027672, MeSH D009386, MONDO:0015356.
Lynch syndrome 4 (LYNCH4). Also called: Colorectal cancer, hereditary nonpolyposis, type 4; Hereditary non-polyposis colorectal cancer, type 4. Identifiers: Orphanet 144, MedGen C1838333, MONDO:0013699, OMIM 614337. Disease mechanism: loss of function.

Submissions (3):

Labcorp Genetics (formerly Invitae), Labcorp
Classification: Likely benign for Hereditary nonpolyposis colorectal neoplasms. Last evaluated: 2025-07-30. Review status: criteria provided, single submitter. Criteria: Invitae Variant Classification Sherloc (09022015). Collection method: clinical testing. Allele origin: germline.

Myriad Genetics, Inc.
Classification: Benign for Lynch syndrome 4. Last evaluated: 2025-01-23. Review status: criteria provided, single submitter. Criteria: Myriad Autosomal Dominant, Autosomal Recessive and X-Linked Classification Criteria (2023). Collection method: clinical testing. Allele origin: unknown.
Comment: This variant is considered benign. This variant is a silent/synonymous amino acid change and it is not expected to impact splicing.

Ambry Genetics
Classification: Likely benign for Hereditary cancer-predisposing syndrome. Last evaluated: 2022-09-26. Review status: criteria provided, single submitter. Criteria: Ambry Variant Classification Scheme 2023. Collection method: clinical testing. Allele origin: germline.